The following is an entry in ClinVar:

NM_000069.3(CACNA1S):c.4349G>T (p.Gly1450Val)

Gene: CACNA1S (calcium voltage-gated channel subunit alpha1 S; minus strand). Cytogenetic location: 1q32.1.
Variant type: single nucleotide variant.
Coding change: c.4349G>T on transcript NM_000069.3 (MANE Select); coding-DNA position 4349, G replaced by T.
Protein change: p.Gly1450Val; replaces glycine 1450 with valine.
Molecular consequence: missense variant.
Genome position (GRCh38, 1-based): chr1:201,048,674, C>A on the plus strand (G>T on the coding strand, the complement: CACNA1S is on the minus strand). VCF-style: chr1-201048674-C-A. GRCh37 (hg19) VCF-style: chr1-201017802-C-A.
Other names: short protein forms G1450V.
Identifiers: ClinVar variation 3070721 (VCV003070721.1), dbSNP rs760531724, ClinGen allele CA083263.

ClinVar aggregate classification (germline): Uncertain significance (1 of 4 stars; one submission).

Conditions:
Malignant hyperthermia, susceptibility to, 5 (MHS5). Also called: CACNA1S-Related Malignant Hyperthermia Susceptibility. Identifiers: Orphanet 423, MedGen C1866077, MONDO:0011163, OMIM 601887.

Submission:

All of Us Research Program, National Institutes of Health
Classification: Uncertain significance for Malignant hyperthermia, susceptibility to, 5. Last evaluated: 2023-05-04. Review status: criteria provided, single submitter. Criteria: ACMG Guidelines, 2015. Collection method: clinical testing. Allele origin: germline. Inheritance: Autosomal dominant inheritance. Observed: 1 variant allele, 1 heterozygote.
Comment: This missense variant replaces glycine with valine at codon 1450 of the CACNA1S protein. Computational prediction suggests that this variant may not impact protein structure and function (internally defined REVEL score threshold <= 0.5, PMID: 27666373). To our knowledge, functional studies have not been reported for this variant. This variant has not been reported in individuals affected with CACNA1S-related disorders in the literature. This variant has not been identified in the general population by the Genome Aggregation Database (gnomAD). The available evidence is insufficient to determine the role of this variant in disease conclusively. Therefore, this variant is classified as a Variant of Uncertain Significance.

This study involves interpretation of variants in research participants for the purpose of population health screening. Participant phenotype was not available at the time of variant classification. Additional details can be found in publication PMID: 35346344, PMCID: PMC8962531